The following is an entry in ClinVar:

NM_024753.5(TTC21B):c.592C>T (p.Leu198=)

Genes: TTC21B (tetratricopeptide repeat domain 21B; minus strand), TTC21B-AS1 (TTC21B antisense RNA 1; plus strand). Cytogenetic location: 2q24.3.
Variant type: single nucleotide variant.
Coding change: c.592C>T on transcript NM_024753.5 (MANE Select); coding-DNA position 592, C replaced by T.
Protein change: p.Leu198=; no amino-acid change (leucine 198 retained).
Molecular consequence: synonymous variant.
Genome position (GRCh38, 1-based): chr2:165,941,145, G>A on the plus strand (C>T on the coding strand, the complement: TTC21B is on the minus strand). VCF-style: chr2-165941145-G-A. GRCh37 (hg19) VCF-style: chr2-166797655-G-A.
Identifiers: ClinVar variation 706259 (VCV000706259.8), dbSNP rs1320998801, ClinGen allele CA429892870.

ClinVar aggregate classification (germline): Likely benign. Review status: criteria provided, single submitter (1 of 4 stars). 2 submissions from 2 submitters: Likely benign (1). 1 of the submissions does not count toward it. Last evaluated 2023-07-03.

Conditions:
Jeune thoracic dystrophy. Also called: Short-rib thoracic dysplasia; Jeune syndrome; Infantile thoracic dystrophy; Thoracic pelvic phalangeal dystrophy; Jeune's syndrome; Chondroectodermal dysplasia-like syndrome. Identifiers: Orphanet 474, MedGen C0265275, MONDO:0018770.
Nephronophthisis. Also called: Juvenile Nephronophthisis. Identifiers: Orphanet 655, MedGen C0687120, MONDO:0019005, HP:0000090.
TTC21B-related disorder. Also called: TTC21B-related condition; TTC21B-related disorders.

Allele frequency attached by ClinVar (database versions not stated): TOPMed below 0.00001; gnomAD 0.00001.
gnomAD v4.1: 1 of 1,613,750 alleles (0.000062%); highest among the groups gnomAD compares: Admixed American, 0.0017%; no homozygotes.

Submissions (2):

Labcorp Genetics (formerly Invitae), Labcorp
Classification: Likely benign for Jeune thoracic dystrophy; Nephronophthisis. Last evaluated: 2023-07-03. Review status: criteria provided, single submitter. Criteria: Invitae Variant Classification Sherloc (09022015). Collection method: clinical testing. Allele origin: germline.

PreventionGenetics, part of Exact Sciences
Classification: Likely benign for TTC21B-related condition. Last evaluated: 2021-07-13. Review status: no assertion criteria provided. Collection method: clinical testing. Allele origin: germline. Not counted in ClinVar's aggregate classification.
Comment: This variant is classified as likely benign based on ACMG/AMP sequence variant interpretation guidelines (Richards et al. 2015 PMID: 25741868, with internal and published modifications).